The following is an entry in ClinVar:

ClinVar aggregate classification (germline): Benign. Review status: criteria provided, multiple submitters, no conflicts (2 of 4 stars). 3 submissions from 3 submitters: Benign (2). 1 of the submissions does not count toward it. Last evaluated 2026-01-31.

Conditions:
ACE-related disorder. Also called: ACE-related condition; ACE-related disorders.
Renal tubular dysgenesis. Also called: Renotubular dysgenesis. Identifiers: Orphanet 3033, MedGen C0266313, MONDO:0017609, HP:0008660.

Allele frequency attached by ClinVar (database versions not stated): ExAC 0.00187; TOPMed 0.00613; gnomAD exomes 0.00053 and 0.00153; gnomAD 0.00609 and 0.00568; 1000 Genomes Project 0.00679; 1000 Genomes Project 30x 0.00640; ESP Exome Variant Server 0.00692.
gnomAD v4.1: 1,669 of 1,614,160 alleles (0.1%); highest among the groups gnomAD compares: African/African-American, 2%; 18 homozygotes.

Submissions (3):

Labcorp Genetics (formerly Invitae), Labcorp
Classification: Benign. Last evaluated: 2026-01-31. Review status: criteria provided, single submitter. Criteria: Invitae Variant Classification Sherloc (09022015). Collection method: clinical testing. Allele origin: germline.

Illumina Laboratory Services, Illumina
Classification: Benign for Renal tubular dysgenesis of genetic origin. Last evaluated: 2017-04-27. Review status: criteria provided, single submitter. Criteria: ICSL Variant Classification Criteria 13 December 2019. Collection method: clinical testing. Allele origin: germline.
Comment: This variant was observed as part of a predisposition screen in an ostensibly healthy population. A literature search was performed for the gene, cDNA change, and amino acid change (where applicable). Publications were found based on this search. The evidence from the literature, in combination with allele frequency data from public databases where available, was sufficient to rule this variant out of causing disease. Therefore, this variant is classified as benign.

PreventionGenetics, part of Exact Sciences
Classification: Benign for ACE-related condition. Last evaluated: 2019-06-20. Review status: no assertion criteria provided. Collection method: clinical testing. Allele origin: germline. Not counted in ClinVar's aggregate classification.
Comment: This variant is classified as benign based on ACMG/AMP sequence variant interpretation guidelines (Richards et al. 2015 PMID: 25741868, with internal and published modifications).

Literature cited by the submitters: PubMed 20093180 (cited by Illumina Laboratory Services, Illumina); PubMed 21471972 (cited by Illumina Laboratory Services, Illumina).

NM_000789.4(ACE):c.2550C>G (p.Leu850=)

Gene: ACE (angiotensin I converting enzyme; plus strand). Cytogenetic location: 17q23.3.
Variant type: single nucleotide variant.
Coding change: c.2550C>G on transcript NM_000789.4 (MANE Select); coding-DNA position 2550, C replaced by G.
Protein change: p.Leu850=; no amino-acid change (leucine 850 retained).
Molecular consequence: synonymous variant.
Genome position (GRCh38, 1-based): chr17:63,489,041, C>G. VCF-style: chr17-63489041-C-G. GRCh37 (hg19) VCF-style: chr17-61566402-C-G.
Other names: c.828C>G, p.Leu276= (NM_001178057.2, NM_152830.3).
Identifiers: ClinVar variation 890611 (VCV000890611.14), dbSNP rs4975, ClinGen allele CA8700147.